The following is an entry in ClinVar:

NM_130837.3(OPA1):c.2235G>A (p.Gly745=)

Gene: OPA1 (OPA1 mitochondrial dynamin like GTPase; plus strand). Cytogenetic location: 3q29.
Variant type: single nucleotide variant.
Coding change: c.2235G>A on transcript NM_130837.3 (MANE Select); coding-DNA position 2235, G replaced by A.
Protein change: p.Gly745=; no amino-acid change (glycine 745 retained).
Molecular consequence: synonymous variant.
Genome position (GRCh38, 1-based): chr3:193,657,136, G>A. VCF-style: chr3-193657136-G-A. GRCh37 (hg19) VCF-style: chr3-193374925-G-A.
Other names: c.1701G>A, p.Gly567= (NM_001354663.2); c.1698G>A, p.Gly566= (NM_001354664.2); c.2070G>A, p.Gly690= (NM_015560.3); c.1962G>A, p.Gly654= (NM_130831.3); c.2016G>A, p.Gly672= (NM_130832.3); c.2073G>A, p.Gly691= (NM_130833.3); c.2124G>A, p.Gly708= (NM_130834.3); c.2127G>A, p.Gly709= (NM_130835.3); and 1 more.
Identifiers: ClinVar variation 1940773 (VCV001940773.6), dbSNP rs781348202, ClinGen allele CA2759613.

ClinVar aggregate classification (germline): Likely benign. Review status: criteria provided, multiple submitters, no conflicts (2 of 4 stars). 2 submissions from 2 submitters: Likely benign (2). Last evaluated 2026-08-06.

Conditions:
OPA1-related disorder. Also called: OPA1-related condition; OPA1-related disorders.

Allele frequency attached by ClinVar (database versions not stated): ExAC 0.00001; TOPMed 0.00002; gnomAD 0.00003.
gnomAD v4.1: 46 of 1,613,770 alleles (0.0029%); highest among the groups gnomAD compares: Non-Finnish European, 0.0038%; no homozygotes.

Submissions (2):

PreventionGenetics, part of Exact Sciences
Classification: Likely benign for OPA1-related condition. Last evaluated: 2026-08-06. Review status: criteria provided, single submitter. Criteria: ACMG Guidelines, 2015. Collection method: clinical testing. Allele origin: germline.
Comment: This variant is classified as likely benign based on ACMG/AMP sequence variant interpretation guidelines (Richards et al. 2015 PMID: 25741868, with internal and published modifications).

Labcorp Genetics (formerly Invitae), Labcorp
Classification: Likely benign. Last evaluated: 2025-01-07. Review status: criteria provided, single submitter. Criteria: Invitae Variant Classification Sherloc (09022015). Collection method: clinical testing. Allele origin: germline.